The following is an entry in ClinVar:

ClinVar aggregate classification (germline): Likely benign (1 of 4 stars; one submission).

Submission:

CeGaT Center for Human Genetics Tuebingen
Classification: Likely benign. Last evaluated: 2023-03-01. Review status: criteria provided, single submitter. Criteria: CeGaT Center For Human Genetics Tuebingen Variant Classification Criteria Version 2. Collection method: clinical testing. Allele origin: germline. Affected: yes. Observed: 1 variant allele.
Comment: CSMD1: PM2:Supporting, BP4, BP7

NM_033225.6(CSMD1):c.9408C>A (p.Ser3136=)

Genes: CSMD1 (CUB and Sushi multiple domains 1; minus strand), LOC105377785 (uncharacterized LOC105377785; plus strand). Cytogenetic location: 8p23.2.
Variant type: single nucleotide variant.
Coding change: c.9408C>A on transcript NM_033225.6 (MANE Select); coding-DNA position 9408, C replaced by A.
Protein change: p.Ser3136=; no amino-acid change (serine 3136 retained).
Molecular consequence: synonymous variant.
Genome position (GRCh38, 1-based): chr8:2,963,268, G>T on the plus strand (C>A on the coding strand, the complement: CSMD1 is on the minus strand). VCF-style: chr8-2963268-G-T. GRCh37 (hg19) VCF-style: chr8-2820790-G-T.
Identifiers: ClinVar variation 2658318 (VCV002658318.24), dbSNP rs2486597998, ClinGen allele CA459057792.